The following is an entry in ClinVar:

ClinVar aggregate classification (germline): Uncertain significance (1 of 4 stars; one submission).

Conditions:
PLXNA3-related disorder. Also called: PLXNA3-related condition.

Submission:

PreventionGenetics, part of Exact Sciences
Classification: Uncertain significance for PLXNA3-related condition. Last evaluated: 2025-09-04. Review status: criteria provided, single submitter. Criteria: ACMG Guidelines, 2015. Collection method: clinical testing. Allele origin: germline.
Comment: The PLXNA3 c.2695G>A variant is predicted to result in the amino acid substitution p.Glu899Lys. To our knowledge, this variant has not been reported in the literature or in a large population database (gnomAD), indicating this variant is rare. At this time, the clinical significance of this variant is uncertain due to the absence of conclusive functional and genetic evidence.

NM_017514.5(PLXNA3):c.2695G>A (p.Glu899Lys)

Gene: PLXNA3 (plexin A3; plus strand). Cytogenetic location: Xq28.
Variant type: single nucleotide variant.
Coding change: c.2695G>A on transcript NM_017514.5 (MANE Select); coding-DNA position 2695, G replaced by A.
Protein change: p.Glu899Lys; replaces glutamic acid 899 with lysine.
Molecular consequence: missense variant.
Genome position (GRCh38, 1-based): chrX:154,466,166, G>A. VCF-style: chrX-154466166-G-A. GRCh37 (hg19) VCF-style: chrX-153694509-G-A.
Other names: short protein forms E899K.
Identifiers: ClinVar variation 4995505 (VCV004995505.1).
Genomic context (GRCh38, chrX:154,466,166, plus strand): 5'-GGCCGTATGTGGCCTGGCCGGCCCTGACGCTCTCTGAGCCCTAGGATCGTGTGTGAGATG[G>A]AGGAGTCGCTGGTGCCCAGCCCGCCGCCGGGGCCCGTGGAGCTGTGTGTGGGTGACTGTT-3'
Protein context (NP_059984.3, residues 889-909): ISAERIVCEM[Glu899Lys]ESLVPSPPPG